The following is an entry in ClinVar:

NM_005327.7(HADH):c.144A>C (p.Ala48=)

Gene: HADH (hydroxyacyl-CoA dehydrogenase; plus strand). Cytogenetic location: 4q25.
Variant type: single nucleotide variant.
Coding change: c.144A>C on transcript NM_005327.7 (MANE Select); coding-DNA position 144, A replaced by C.
Protein change: p.Ala48=; no amino-acid change (alanine 48 retained).
Molecular consequence: synonymous variant.
Genome position (GRCh38, 1-based): chr4:108,009,770, A>C. VCF-style: chr4-108009770-A-C. GRCh37 (hg19) VCF-style: chr4-108930926-A-C.
Other names: c.144A>C, p.Ala48= (NM_001184705.4); c.156A>C, p.Ala52= (NM_001331027.2); c.144A>C (NM_001184705.2).
Identifiers: ClinVar variation 1085093 (VCV001085093.11), dbSNP rs79881095, ClinGen allele CA3037377.
Genomic context (GRCh38, chr4:108,009,770, plus strand): 5'-TGTTATGTTTTCTTTCTTTTAAAAAGAAATTGTTCTTTTGTTGCTCTAGGTTGCTGCAGC[A>C]ACTGGTCACACAGTAGTGTTGGTAGACCAGACAGAGGACATCCTGGCAAAATCCAAAAAG-3'
Protein context (NP_005318.6, residues 38-58): MGAGIAQVAA[Ala48=]TGHTVVLVDQ

ClinVar aggregate classification (germline): Likely benign. Review status: criteria provided, multiple submitters, no conflicts (2 of 4 stars). 3 submissions from 3 submitters: Likely benign (2). 1 of the submissions does not count toward it. Last evaluated 2025-09-29.

Conditions:
Deficiency of 3-hydroxyacyl-CoA dehydrogenase. Also called: 3-hydroxyacyl-CoA dehydrogenase deficiency; HADH DEFICIENCY. Identifiers: Orphanet 309127, Orphanet 71212, MedGen C1291230, MONDO:0017715, OMIM 231530.
HADH-related disorder. Also called: HADH-related condition.

Allele frequency attached by ClinVar (database versions not stated): gnomAD 0.00011; 1000 Genomes Project 30x 0.00031.
gnomAD v4.1: 142 of 1,613,758 alleles (0.0088%); highest among the groups gnomAD compares: Admixed American, 0.018%; no homozygotes.

Submissions (3):

Labcorp Genetics (formerly Invitae), Labcorp
Classification: Likely benign for Deficiency of 3-hydroxyacyl-CoA dehydrogenase. Last evaluated: 2025-09-29. Review status: criteria provided, single submitter. Criteria: Invitae Variant Classification Sherloc (09022015). Collection method: clinical testing. Allele origin: germline.

GeneDx
Classification: Likely benign. Last evaluated: 2020-03-26. Review status: criteria provided, single submitter. Criteria: GeneDx Variant Classification Process June 2021. Collection method: clinical testing. Allele origin: germline. Affected: yes.

PreventionGenetics, part of Exact Sciences
Classification: Likely benign for HADH-related condition. Last evaluated: 2023-02-20. Review status: no assertion criteria provided. Collection method: clinical testing. Allele origin: germline. Not counted in ClinVar's aggregate classification.
Comment: This variant is classified as likely benign based on ACMG/AMP sequence variant interpretation guidelines (Richards et al. 2015 PMID: 25741868, with internal and published modifications).